The following is an entry in ClinVar:

NM_012472.6(DNAAF11):c.118G>A (p.Asp40Asn)

Gene: DNAAF11 (dynein axonemal assembly factor 11; minus strand). Cytogenetic location: 8q24.22.
Variant type: single nucleotide variant.
Coding change: c.118G>A on transcript NM_012472.6 (MANE Select); coding-DNA position 118, G replaced by A.
Protein change: p.Asp40Asn; replaces aspartic acid 40 with asparagine.
Molecular consequence: missense variant. On other transcripts: 5 prime UTR variant (4), non-coding transcript variant (7), intron variant (1).
Genome position (GRCh38, 1-based): chr8:132,661,520, C>T on the plus strand (G>A on the coding strand, the complement: DNAAF11 is on the minus strand). VCF-style: chr8-132661520-C-T. GRCh37 (hg19) VCF-style: chr8-133673766-C-T.
Other names: c.118G>A, p.Asp40Asn (NM_001321961.2); c.-243G>A (NM_001321963.2, NM_001321964.2, NM_001321966.2); c.-556G>A (NM_001321965.2); c.10+13964G>A (NM_001321962.2); c.118G>A (NM_012472.4, NM_012472.3); short protein forms D40N.
Identifiers: ClinVar variation 1681048 (VCV001681048.8), dbSNP rs760744496, ClinGen allele CA4881466.

ClinVar aggregate classification (germline): Uncertain significance. Review status: criteria provided, multiple submitters, no conflicts (2 of 4 stars). 4 submissions from 4 submitters: Uncertain significance (4). Last evaluated 2023-12-07.

Conditions:
Primary ciliary dyskinesia. Also called: Ciliary dyskinesia. Identifiers: Orphanet 244, MedGen C0008780, MONDO:0016575, HP:0012265.
Primary ciliary dyskinesia 19. Also called: CILIARY DYSKINESIA, PRIMARY, 19, WITH OR WITHOUT SITUS INVERSUS. Identifiers: Orphanet 244, MedGen C3543826, MONDO:0013979, OMIM 614935.

Allele frequency attached by ClinVar (database versions not stated): TOPMed 0.00002; ExAC 0.00003; gnomAD 0.00003; gnomAD exomes 0.00003 and 0.00004.
gnomAD v4.1: 64 of 1,613,502 alleles (0.004%); highest among the groups gnomAD compares: Middle Eastern, 0.082%; no homozygotes.

Submissions (4):

Ambry Genetics
Classification: Uncertain significance for Primary ciliary dyskinesia. Last evaluated: 2023-12-07. Review status: criteria provided, single submitter. Criteria: Ambry Variant Classification Scheme 2023. Collection method: clinical testing. Allele origin: germline.

GeneDx
Classification: Uncertain significance. Last evaluated: 2023-02-23. Review status: criteria provided, single submitter. Criteria: GeneDx Variant Classification Process June 2021. Collection method: clinical testing. Allele origin: germline. Affected: yes.
Comment: In silico analysis supports that this missense variant has a deleterious effect on protein structure/function; Has not been previously published as pathogenic or benign to our knowledge

Labcorp Genetics (formerly Invitae), Labcorp
Classification: Uncertain significance for Primary ciliary dyskinesia 19. Last evaluated: 2022-11-01. Review status: criteria provided, single submitter. Criteria: Invitae Variant Classification Sherloc (09022015). Collection method: clinical testing. Allele origin: germline.
Comment: This sequence change replaces aspartic acid, which is acidic and polar, with asparagine, which is neutral and polar, at codon 40 of the LRRC6 protein (p.Asp40Asn). This variant is present in population databases (rs760744496, gnomAD 0.01%). This variant has not been reported in the literature in individuals affected with LRRC6-related conditions. ClinVar contains an entry for this variant (Variation ID: 1681048). Advanced modeling of protein sequence and biophysical properties (such as structural, functional, and spatial information, amino acid conservation, physicochemical variation, residue mobility, and thermodynamic stability) performed at Invitae indicates that this missense variant is not expected to disrupt LRRC6 protein function. In summary, the available evidence is currently insufficient to determine the role of this variant in disease. Therefore, it has been classified as a Variant of Uncertain Significance.

Breakthrough Genomics
Classification: Uncertain significance. Review status: criteria provided, single submitter. Criteria: ACMG Guidelines, 2015. Collection method: not provided. Allele origin: germline. Inheritance: Autosomal recessive inheritance. Affected: yes.